The following is an entry in ClinVar:

NM_001079.4(ZAP70):c.1435G>A (p.Asp479Asn)

Gene: ZAP70 (zeta chain of T cell receptor associated protein kinase 70; plus strand). Cytogenetic location: 2q11.2.
Variant type: single nucleotide variant.
Coding change: c.1435G>A on transcript NM_001079.4 (MANE Select); coding-DNA position 1435, G replaced by A.
Protein change: p.Asp479Asn; replaces aspartic acid 479 with asparagine.
Molecular consequence: missense variant.
Genome position (GRCh38, 1-based): chr2:97,737,618, G>A. VCF-style: chr2-97737618-G-A. GRCh37 (hg19) VCF-style: chr2-98354081-G-A.
Other names: c.1435G>A, p.Asp479Asn (NM_001378594.1); c.514G>A, p.Asp172Asn (NM_207519.2); short protein forms D172N, D479N.
Identifiers: ClinVar variation 944825 (VCV000944825.10), dbSNP rs1677952426, ClinGen allele CA347803692.

ClinVar aggregate classification (germline): Uncertain significance (1 of 4 stars; one submission).

Conditions:
Combined immunodeficiency due to ZAP70 deficiency (IMD48). Also called: Immunodeficiency 48; ZAP70 Deficiency. Identifiers: Orphanet 911, MedGen C2931299, MONDO:0010023, OMIM 269840.

Allele frequency attached by ClinVar (database versions not stated): TOPMed below 0.00001; gnomAD 0.00001.
gnomAD v4.1: 2 of 1,613,982 alleles (0.00012%); highest among the groups gnomAD compares: Admixed American, 0.0017%; no homozygotes.

Submission:

Labcorp Genetics (formerly Invitae), Labcorp
Classification: Uncertain significance for Combined immunodeficiency due to ZAP70 deficiency. Last evaluated: 2022-11-01. Review status: criteria provided, single submitter. Criteria: Invitae Variant Classification Sherloc (09022015). Collection method: clinical testing. Allele origin: germline.
Comment: This sequence change replaces aspartic acid, which is acidic and polar, with asparagine, which is neutral and polar, at codon 479 of the ZAP70 protein (p.Asp479Asn). This variant is not present in population databases (gnomAD no frequency). This variant has not been reported in the literature in individuals affected with ZAP70-related conditions. ClinVar contains an entry for this variant (Variation ID: 944825). Algorithms developed to predict the effect of missense changes on protein structure and function are either unavailable or do not agree on the potential impact of this missense change (SIFT: "Not Available"; PolyPhen-2: "Probably Damaging"; Align-GVGD: "Not Available"). In summary, the available evidence is currently insufficient to determine the role of this variant in disease. Therefore, it has been classified as a Variant of Uncertain Significance.